The following is an entry in ClinVar:

ClinVar aggregate classification (germline): Uncertain significance (1 of 4 stars; one submission).

Conditions:
Hypophosphatasia. Also called: Phosphoethanol-aminuria. Identifiers: Orphanet 436, MedGen C0020630, MeSH D007014, MONDO:0018570.

gnomAD v4.1: 3 of 1,598,770 alleles (0.00019%); highest among the groups gnomAD compares: East Asian, 0.0045%; no homozygotes.

Submission:

Genomenon, Inc
Classification: Uncertain significance for Hypophosphatasia. Last evaluated: 2026-09-01. Review status: criteria provided, single submitter. Criteria: Genomenon Sequence Variant Interpretation Standards - Updated. Collection method: curation. Allele origin: germline. Affected: no.
Comment: ALPL p.Pro519Thr (c.1555C>A) is a missense variant that changes the amino acid at codon 519 from Proline to Threonine. This variant has been reported in the published literature (PMID:32160374). It is absent or not present at a significant frequency in gnomAD. In silico models predict that this variant is not damaging. In conclusion, we classify ALPL p.Pro519Thr (c.1555C>A) as a variant of uncertain significance.

Literature cited by the submitters: PubMed 32160374.

NM_000478.6(ALPL):c.1555C>A (p.Pro519Thr)

Gene: ALPL (alkaline phosphatase, biomineralization associated; plus strand). Cytogenetic location: 1p36.12.
Variant type: single nucleotide variant.
Coding change: c.1555C>A on transcript NM_000478.6 (MANE Select); coding-DNA position 1555, C replaced by A.
Protein change: p.Pro519Thr; replaces proline 519 with threonine.
Molecular consequence: missense variant.
Genome position (GRCh38, 1-based): chr1:21,577,628, C>A. VCF-style: chr1-21577628-C-A. GRCh37 (hg19) VCF-style: chr1-21904121-C-A.
Other names: c.1390C>A, p.Pro464Thr (NM_001127501.4); c.1324C>A, p.Pro442Thr (NM_001177520.3); c.1555C>A, p.Pro519Thr (NM_001369803.2, NM_001369804.2, NM_001369805.2); short protein forms P442T, P464T, P519T.
Identifiers: ClinVar variation 4974799 (VCV004974799.1).
Genomic context (GRCh38, chr1:21,577,628, plus strand): 5'-CCTGCCAGCTCGGCAGGCAGCCTTGCTGCAGGCCCCCTGCTGCTCGCGCTGGCCCTCTAC[C>A]CCCTGAGCGTCCTGTTCTGAGGGCCCAGGGCCCGGGCACCCACAAGCCCGTGACAGATGC-3'
Protein context (NP_000469.3, residues 509-524): GPLLLALALY[Pro519Thr]LSVLF